The following is an entry in ClinVar:

ClinVar aggregate classification (germline): Uncertain significance (1 of 4 stars; one submission).

Allele frequency attached by ClinVar (database versions not stated): gnomAD exomes below 0.00001.
gnomAD v4.1: 1 of 1,546,310 alleles (0.000065%); highest among the groups gnomAD compares: Non-Finnish European, 0.000087%; no homozygotes.

Submission:

GeneDx
Classification: Uncertain significance. Last evaluated: 2020-05-20. Review status: criteria provided, single submitter. Criteria: GeneDx Variant Classification Process June 2021. Collection method: clinical testing. Allele origin: germline. Affected: yes.
Comment: Not observed in large population cohorts (Lek et al., 2016); In silico analysis supports that this missense variant has a deleterious effect on protein structure/function; In-silico analysis, which includes splice predictors and evolutionary conservation, is inconclusive as to whether the variant alters gene splicing. In the absence of RNA/functional studies, the actual effect of this sequence change is unknown.; Has not been previously published as pathogenic or benign to our knowledge

NM_001244008.2(KIF1A):c.4480C>T (p.His1494Tyr)

Gene: KIF1A (kinesin family member 1A; minus strand). Cytogenetic location: 2q37.3.
Variant type: single nucleotide variant.
Coding change: c.4480C>T on transcript NM_001244008.2 (MANE Select); coding-DNA position 4480, C replaced by T.
Protein change: p.His1494Tyr; replaces histidine 1494 with tyrosine.
Molecular consequence: missense variant.
Genome position (GRCh38, 1-based): chr2:240,722,641, G>A on the plus strand (C>T on the coding strand, the complement: KIF1A is on the minus strand). VCF-style: chr2-240722641-G-A. GRCh37 (hg19) VCF-style: chr2-241662058-G-A.
Other names: c.4279C>T, p.His1427Tyr (NM_001330290.2, NM_001379648.1); c.4555C>T, p.His1519Tyr (NM_001379631.1); c.4456C>T, p.His1486Tyr (NM_001379632.1); c.4453C>T, p.His1485Tyr (NM_001379633.1, NM_001379645.1); c.4306C>T, p.His1436Tyr (NM_001379634.1); c.4303C>T, p.His1435Tyr (NM_001379635.1, NM_001379646.1); c.4291C>T, p.His1431Tyr (NM_001379636.1); c.4252C>T, p.His1418Tyr (NM_001379637.1); and 7 more; short protein forms H1392Y, H1393Y, H1401Y, H1402Y, H1410Y, H1411Y, H1418Y, H1427Y.
Identifiers: ClinVar variation 1312660 (VCV001312660.2), dbSNP rs2125598661, ClinGen allele CA351304429.